The following is an entry in ClinVar:

NM_194248.3(OTOF):c.4824C>A (p.Asp1608Glu)

Gene: OTOF (otoferlin; minus strand). Cytogenetic location: 2p23.3.
Variant type: single nucleotide variant.
Coding change: c.4824C>A on transcript NM_194248.3 (MANE Select); coding-DNA position 4824, C replaced by A.
Protein change: p.Asp1608Glu; replaces aspartic acid 1608 with glutamic acid.
Molecular consequence: missense variant.
Genome position (GRCh38, 1-based): chr2:26,465,005, G>T on the plus strand (C>A on the coding strand, the complement: OTOF is on the minus strand). VCF-style: chr2-26465005-G-T. GRCh37 (hg19) VCF-style: chr2-26687873-G-T.
Other names: c.4824C>A, p.Asp1608Glu (NM_001287489.2); c.2523C>A, p.Asp841Glu (NM_004802.4, NM_194323.3); c.2754C>A, p.Asp918Glu (NM_194322.3); short protein forms D1608E, D841E, D918E.
Identifiers: ClinVar variation 3778499 (VCV003778499.7).

ClinVar aggregate classification (germline): Uncertain significance (1 of 4 stars; one submission).

Submission:

CeGaT Center for Human Genetics Tuebingen
Classification: Uncertain significance. Last evaluated: 2025-03-01. Review status: criteria provided, single submitter. Criteria: CeGaT Center For Human Genetics Tuebingen Variant Classification Criteria Version 2. Collection method: clinical testing. Allele origin: germline. Affected: yes. Observed: 1 variant allele.
Comment: OTOF: PM2, BP4